The following is an entry in ClinVar:

NM_001386795.1(DTNA):c.1175+208T>G

Gene: DTNA (dystrobrevin alpha; plus strand). Cytogenetic location: 18q12.1.
Variant type: single nucleotide variant.
Coding change: c.1175+208T>G on transcript NM_001386795.1 (MANE Select); 208 bases into the intron after coding-DNA position 1175, T replaced by G.
Molecular consequence: intron variant.
Genome position (GRCh38, 1-based): chr18:34,829,697, T>G. VCF-style: chr18-34829697-T-G. GRCh37 (hg19) VCF-style: chr18-32409661-T-G.
Other names: c.1094+2021T>G (NM_032975.4, NM_001386761.1, NM_001386762.1 and 3 more transcripts); c.1175+208T>G (NM_001386754.1, NM_001386755.1, NM_001386760.1 and 6 more transcripts); c.1085+2021T>G (NM_001386763.1, NM_001386764.1, NM_001386768.1 and 14 more transcripts); c.603+17584T>G (NM_001198945.2); c.335+2021T>G (NM_001198943.1); c.221+208T>G (NM_001198942.1, NM_001198944.1); c.131+2021T>G (NM_032980.4, NM_032981.5).
Identifiers: ClinVar variation 675979 (VCV000675979.1), dbSNP rs77785636, ClinGen allele CA297770103.

ClinVar aggregate classification (germline): Likely benign (1 of 4 stars; one submission).

Allele frequency attached by ClinVar (database versions not stated): gnomAD 0.00824 and 0.00888; 1000 Genomes Project 0.00859; TOPMed 0.00977; 1000 Genomes Project 30x 0.01046.
gnomAD v4.1: 1,239 of 152,332 alleles (0.81%); highest among the groups gnomAD compares: African/African-American, 2.9%; 19 homozygotes.

Submission:

GeneDx
Classification: Likely benign. Last evaluated: 2018-06-19. Review status: criteria provided, single submitter. Criteria: GeneDx Variant Classification (06012015). Collection method: clinical testing. Allele origin: germline. Affected: yes.
Comment: This variant is considered likely benign or benign based on one or more of the following criteria: it is a conservative change, it occurs at a poorly conserved position in the protein, it is predicted to be benign by multiple in silico algorithms, and/or has population frequency not consistent with disease.